The following is an entry in ClinVar:

NM_000023.4(SGCA):c.296G>A (p.Gly99Glu)

Gene: SGCA (sarcoglycan alpha; plus strand). Cytogenetic location: 17q21.33.
Variant type: single nucleotide variant.
Coding change: c.296G>A on transcript NM_000023.4 (MANE Select); coding-DNA position 296, G replaced by A.
Protein change: p.Gly99Glu; replaces glycine 99 with glutamic acid.
Molecular consequence: missense variant. On other transcripts: non-coding transcript variant (1).
Genome position (GRCh38, 1-based): chr17:50,167,720, G>A. VCF-style: chr17-50167720-G-A. GRCh37 (hg19) VCF-style: chr17-48245081-G-A.
Other names: c.296G>A, p.Gly99Glu (NM_001135697.3); short protein forms G99E.
Identifiers: ClinVar variation 2073759 (VCV002073759.4), dbSNP rs2509119198, ClinGen allele CA400177927.

ClinVar aggregate classification (germline): Likely pathogenic (1 of 4 stars; one submission).

Conditions:
Autosomal recessive limb-girdle muscular dystrophy type 2D (LGMDR3). Also called: MUSCULAR DYSTROPHY, LIMB-GIRDLE, AUTOSOMAL RECESSIVE 3; ADHALINOPATHY, PRIMARY; DUCHENNE-LIKE AUTOSOMAL RECESSIVE MUSCULAR DYSTROPHY, TYPE 2. Identifiers: Orphanet 62, MedGen C2936332, MONDO:0011968, OMIM 608099. Disease mechanism: Affects gamma-sarcoglycan and also disrupts the integrity of the entire sarcoglycan complex..

Submission:

Labcorp Genetics (formerly Invitae), Labcorp
Classification: Likely pathogenic for Autosomal recessive limb-girdle muscular dystrophy type 2D. Last evaluated: 2025-12-21. Review status: criteria provided, single submitter. Criteria: Invitae Variant Classification Sherloc (09022015). Collection method: clinical testing. Allele origin: germline.
Comment: This sequence change replaces glycine, which is neutral and non-polar, with glutamic acid, which is acidic and polar, at codon 99 of the SGCA protein (p.Gly99Glu). This variant is not present in population databases (gnomAD no frequency). This missense change has been observed in individual(s) with SGCA-related conditions (internal data). In at least one individual the data is consistent with being in trans (on the opposite chromosome) from a pathogenic variant. ClinVar contains an entry for this variant (Variation ID: 2073759). Invitae Evidence Modeling of protein sequence and biophysical properties (such as structural, functional, and spatial information, amino acid conservation, physicochemical variation, residue mobility, and thermodynamic stability) indicates that this missense variant is expected to disrupt SGCA protein function with a positive predictive value of 95%. In summary, the currently available evidence indicates that the variant is pathogenic, but additional data are needed to prove that conclusively. Therefore, this variant has been classified as Likely Pathogenic.